The following is an entry in ClinVar:

ClinVar aggregate classification (germline): Uncertain significance. Review status: criteria provided, multiple submitters, no conflicts (2 of 4 stars). 3 submissions from 3 submitters: Uncertain significance (3). Last evaluated 2025-04-27.

Conditions:
Cardiovascular phenotype. Identifiers: MedGen CN230736.
Atrial septal defect 3 (ASD3). Identifiers: Orphanet 1478, MedGen C3279790, MONDO:0013567, OMIM 614089.
Hypertrophic cardiomyopathy 14. Identifiers: MedGen C2750467, MONDO:0013197, OMIM 613251.

Allele frequency attached by ClinVar (database versions not stated): TOPMed 0.00001; gnomAD 0.00003.
gnomAD v4.1: 30 of 1,607,208 alleles (0.0019%); highest among the groups gnomAD compares: East Asian, 0.022%; no homozygotes.

Submissions (3):

Labcorp Genetics (formerly Invitae), Labcorp
Classification: Uncertain significance for Hypertrophic cardiomyopathy 14. Last evaluated: 2025-04-27. Review status: criteria provided, single submitter. Criteria: Invitae Variant Classification Sherloc (09022015). Collection method: clinical testing. Allele origin: germline.
Comment: This sequence change replaces glycine, which is neutral and non-polar, with serine, which is neutral and polar, at codon 1156 of the MYH6 protein (p.Gly1156Ser). This variant is present in population databases (no rsID available, gnomAD 0.04%). This variant has not been reported in the literature in individuals affected with MYH6-related conditions. ClinVar contains an entry for this variant (Variation ID: 1731689). Invitae Evidence Modeling of protein sequence and biophysical properties (such as structural, functional, and spatial information, amino acid conservation, physicochemical variation, residue mobility, and thermodynamic stability) indicates that this missense variant is not expected to disrupt MYH6 protein function with a negative predictive value of 80%. In summary, the available evidence is currently insufficient to determine the role of this variant in disease. Therefore, it has been classified as a Variant of Uncertain Significance.

Genomic Medicine Center of Excellence, King Faisal Specialist Hospital and Research Centre
Classification: Uncertain significance for Atrial septal defect 3. Last evaluated: 2024-03-26. Review status: criteria provided, single submitter. Criteria: ACMG Guidelines, 2015. Collection method: clinical testing. Allele origin: germline.

Ambry Genetics
Classification: Uncertain significance for Cardiovascular phenotype. Last evaluated: 2019-10-30. Review status: criteria provided, single submitter. Criteria: Ambry Variant Classification Scheme 2023. Collection method: clinical testing. Allele origin: germline.
Comment: The p.G1156S variant (also known as c.3466G>A), located in coding exon 24 of the MYH6 gene, results from a G to A substitution at nucleotide position 3466. The glycine at codon 1156 is replaced by serine, an amino acid with similar properties. This amino acid position is highly conserved in available vertebrate species. In addition, the in silico prediction for this alteration is inconclusive. Since supporting evidence is limited at this time, the clinical significance of this alteration remains unclear.

NM_002471.4(MYH6):c.3466G>A (p.Gly1156Ser)

Gene: MYH6 (myosin heavy chain 6; minus strand). Cytogenetic location: 14q11.2.
Variant type: single nucleotide variant.
Coding change: c.3466G>A on transcript NM_002471.4 (MANE Select); coding-DNA position 3466, G replaced by A.
Protein change: p.Gly1156Ser; replaces glycine 1156 with serine.
Molecular consequence: missense variant.
Genome position (GRCh38, 1-based): chr14:23,390,323, C>T on the plus strand (G>A on the coding strand, the complement: MYH6 is on the minus strand). VCF-style: chr14-23390323-C-T. GRCh37 (hg19) VCF-style: chr14-23859532-C-T.
Other names: short protein forms G1156S.
Identifiers: ClinVar variation 1731689 (VCV001731689.4), dbSNP rs1378744560, ClinGen allele CA389006286.
Genomic context (GRCh38, chr14:23,390,323, plus strand): 5'-TCTTCTGGAACTCGGCCTCGCGCTTCTTGTTCATCTCGATCTGCACGGACGTGGCCCCGC[C>T]GGCCTCTTCCAGCCGCTCGCTGATCTCCTCCAGCTCCCGAGACAGGTCTGAGCGCAGCTT-3'
Protein context (NP_002462.2, residues 1146-1166): EEISERLEEA[Gly1156Ser]GATSVQIEMN